The following is an entry in ClinVar:

NM_014845.6(FIG4):c.863G>A (p.Gly288Asp)

Gene: FIG4 (FIG4 phosphoinositide 5-phosphatase; plus strand). Cytogenetic location: 6q21.
Variant type: single nucleotide variant.
Coding change: c.863G>A on transcript NM_014845.6 (MANE Select); coding-DNA position 863, G replaced by A.
Protein change: p.Gly288Asp; replaces glycine 288 with aspartic acid.
Molecular consequence: missense variant.
Genome position (GRCh38, 1-based): chr6:109,741,531, G>A. VCF-style: chr6-109741531-G-A. GRCh37 (hg19) VCF-style: chr6-110062734-G-A.
Other names: short protein forms G288D.
Identifiers: ClinVar variation 3027470 (VCV003027470.1), dbSNP rs1057519188, ClinGen allele CA145136149.

ClinVar aggregate classification (germline): Likely pathogenic (1 of 4 stars; one submission).

gnomAD v4.1: 3 of 1,604,922 alleles (0.00019%); highest among the groups gnomAD compares: Non-Finnish European, 0.00026%; no homozygotes.

Submission:

Human Genetics Bochum, Ruhr University Bochum
Classification: Likely pathogenic. Last evaluated: 2023-12-20. Review status: criteria provided, single submitter. Criteria: ACMG Guidelines, 2015. Collection method: clinical testing. Allele origin: germline. Affected: yes.
Comment: ACMG criteria used to clasify this variant: PP3_STR, PM3, PM2_SUP